The following is an entry in ClinVar:

NM_004958.4(MTOR):c.2641C>T (p.Arg881Cys)

Gene: MTOR (mechanistic target of rapamycin kinase; minus strand). Cytogenetic location: 1p36.22.
Variant type: single nucleotide variant.
Coding change: c.2641C>T on transcript NM_004958.4 (MANE Select); coding-DNA position 2641, C replaced by T.
Protein change: p.Arg881Cys; replaces arginine 881 with cysteine.
Molecular consequence: missense variant.
Genome position (GRCh38, 1-based): chr1:11,231,308, G>A on the plus strand (C>T on the coding strand, the complement: MTOR is on the minus strand). VCF-style: chr1-11231308-G-A. GRCh37 (hg19) VCF-style: chr1-11291365-G-A.
Other names: c.2641C>T, p.Arg881Cys (NM_001386500.1); c.1393C>T, p.Arg465Cys (NM_001386501.1); short protein forms R465C, R881C.
Identifiers: ClinVar variation 1302629 (VCV001302629.5), dbSNP rs2100867880, ClinGen allele CA338382185.
Genomic context (GRCh38, chr1:11,231,308, plus strand): 5'-TTGCCATCGTCCCAGCAAAGTCTTTAAAGACCAAGTTTGCCACGTCCCCTACCTCTCTGC[G>A]TGTACCCTGGTTCTGCTCAGTCTTCAGAAAATTCAGTAGCACCTCAAGCAAAGTAGGGTA-3'
Protein context (NP_004949.1, residues 871-891): FLKTEQNQGT[Arg881Cys]REAIRVLGLL

ClinVar aggregate classification (germline): Uncertain significance. Review status: criteria provided, multiple submitters, no conflicts (2 of 4 stars). 2 submissions from 2 submitters: Uncertain significance (2). Last evaluated 2024-01-16.

Allele frequency attached by ClinVar (database versions not stated): gnomAD exomes below 0.00001.
gnomAD v4.1: 3 of 1,613,968 alleles (0.00019%); highest among the groups gnomAD compares: Non-Finnish European, 0.00025%; no homozygotes.

Submissions (2):

Labcorp Genetics (formerly Invitae), Labcorp
Classification: Uncertain significance. Last evaluated: 2024-01-16. Review status: criteria provided, single submitter. Criteria: Invitae Variant Classification Sherloc (09022015). Collection method: clinical testing. Allele origin: germline.
Comment: This sequence change replaces arginine, which is basic and polar, with cysteine, which is neutral and slightly polar, at codon 881 of the MTOR protein (p.Arg881Cys). This variant is not present in population databases (gnomAD no frequency). This variant has not been reported in the literature in individuals affected with MTOR-related conditions. ClinVar contains an entry for this variant (Variation ID: 1302629). Advanced modeling of protein sequence and biophysical properties (such as structural, functional, and spatial information, amino acid conservation, physicochemical variation, residue mobility, and thermodynamic stability) performed at Invitae indicates that this missense variant is not expected to disrupt MTOR protein function with a negative predictive value of 95%. In summary, the available evidence is currently insufficient to determine the role of this variant in disease. Therefore, it has been classified as a Variant of Uncertain Significance.

GeneDx
Classification: Uncertain significance. Last evaluated: 2019-05-14. Review status: criteria provided, single submitter. Criteria: GeneDx Variant Classification Process June 2021. Collection method: clinical testing. Allele origin: germline. Affected: yes.
Comment: Not observed in large population cohorts (Lek et al., 2016); In silico analysis, which includes protein predictors and evolutionary conservation, supports a deleterious effect; Has not been previously published as pathogenic or benign to our knowledge